The following is an entry in ClinVar:

NC_000015.10:g.79209795C>A

Genes: ANKRD34C-AS1 (ANKRD34C antisense RNA 1; minus strand), MIR184 (microRNA 184; plus strand). Cytogenetic location: 15q25.1.
Variant type: single nucleotide variant.
Molecular consequence: non-coding transcript variant (on NR_029705.1).
Genome position: GRCh38 VCF-style: chr15-79209795-C-A. GRCh37 (hg19) VCF-style: chr15-79502137-C-A.
Identifiers: ClinVar variation 4710200 (VCV004710200.1).

ClinVar aggregate classification (germline): Uncertain significance (1 of 4 stars; one submission).

Submission:

Labcorp Genetics (formerly Invitae), Labcorp
Classification: Uncertain significance. Last evaluated: 2025-12-24. Review status: criteria provided, single submitter. Criteria: Invitae Variant Classification Sherloc (09022015). Collection method: clinical testing. Allele origin: germline.
Comment: This variant occurs in the MIR184 gene, which encodes an RNA molecule that does not result in a protein product. This variant is present in population databases (rs368718261, gnomAD 0.02%). This variant has not been reported in the literature in individuals affected with MIR184-related conditions. Experimental studies and prediction algorithms are not available or were not evaluated, and the functional significance of this variant is currently unknown. In summary, the available evidence is currently insufficient to determine the role of this variant in disease. Therefore, it has been classified as a Variant of Uncertain Significance.